The following is an entry in ClinVar:

ClinVar aggregate classification (germline): Uncertain significance (1 of 4 stars; one submission).

Allele frequency attached by ClinVar (database versions not stated): ExAC 0.00001; gnomAD 0.00001; gnomAD exomes 0.00001 and 0.00004; TOPMed 0.00003.
gnomAD v4.1: 53 of 1,613,948 alleles (0.0033%); highest among the groups gnomAD compares: Non-Finnish European, 0.0042%; no homozygotes.

Submission:

Labcorp Genetics (formerly Invitae), Labcorp
Classification: Uncertain significance. Last evaluated: 2022-06-20. Review status: criteria provided, single submitter. Criteria: Invitae Variant Classification Sherloc (09022015). Collection method: clinical testing. Allele origin: germline.
Comment: In summary, the available evidence is currently insufficient to determine the role of this variant in disease. Therefore, it has been classified as a Variant of Uncertain Significance. Algorithms developed to predict the effect of missense changes on protein structure and function output the following: SIFT: "Deleterious"; PolyPhen-2: "Benign"; Align-GVGD: "Class C25". The valine amino acid residue is found in multiple mammalian species, which suggests that this missense change does not adversely affect protein function. This variant has not been reported in the literature in individuals affected with OPN1SW-related conditions. This variant is present in population databases (rs778250238, gnomAD 0.003%). This sequence change replaces isoleucine, which is neutral and non-polar, with valine, which is neutral and non-polar, at codon 72 of the OPN1SW protein (p.Ile72Val).

NM_001385125.1(OPN1SW):c.205A>G (p.Ile69Val)

Gene: OPN1SW (opsin 1, short wave sensitive; minus strand). Cytogenetic location: 7q32.1.
Variant type: single nucleotide variant.
Coding change: c.205A>G on transcript NM_001385125.1 (MANE Select); coding-DNA position 205, A replaced by G.
Protein change: p.Ile69Val; replaces isoleucine 69 with valine.
Molecular consequence: missense variant.
Genome position (GRCh38, 1-based): chr7:128,775,577, T>C on the plus strand (A>G on the coding strand, the complement: OPN1SW is on the minus strand). VCF-style: chr7-128775577-T-C. GRCh37 (hg19) VCF-style: chr7-128415631-T-C.
Other names: short protein forms I69V.
Identifiers: ClinVar variation 1408155 (VCV001408155.8), dbSNP rs778250238, ClinGen allele CA4473030.